The following is an entry in ClinVar:

NM_014974.3(DIP2C):c.212C>T (p.Ala71Val)

Gene: DIP2C (DIP2 acetate--CoA ligase C (putative); minus strand). Cytogenetic location: 10p15.3.
Variant type: single nucleotide variant.
Coding change: c.212C>T on transcript NM_014974.3 (MANE Select); coding-DNA position 212, C replaced by T.
Protein change: p.Ala71Val; replaces alanine 71 with valine.
Molecular consequence: missense variant.
Genome position (GRCh38, 1-based): chr10:472,495, G>A on the plus strand (C>T on the coding strand, the complement: DIP2C is on the minus strand). VCF-style: chr10-472495-G-A. GRCh37 (hg19) VCF-style: chr10-518435-G-A.
Other names: short protein forms A71V.
Identifiers: ClinVar variation 4776291 (VCV004776291.1).

ClinVar aggregate classification (germline): Uncertain significance (1 of 4 stars; one submission).

gnomAD v4.1: 4 of 1,614,086 alleles (0.00025%); highest among the groups gnomAD compares: East Asian, 0.0022%; no homozygotes.

Submission:

Labcorp Genetics (formerly Invitae), Labcorp
Classification: Uncertain significance. Last evaluated: 2025-04-27. Review status: criteria provided, single submitter. Criteria: Invitae Variant Classification Sherloc (09022015). Collection method: clinical testing. Allele origin: germline.
Comment: This sequence change replaces alanine, which is neutral and non-polar, with valine, which is neutral and non-polar, at codon 71 of the DIP2C protein (p.Ala71Val). This variant is present in population databases (no rsID available, gnomAD 0.01%). This variant has not been reported in the literature in individuals affected with DIP2C-related conditions. An algorithm developed to predict the effect of missense changes on protein structure and function (PolyPhen-2) suggests that this variant is likely to be disruptive. In summary, the available evidence is currently insufficient to determine the role of this variant in disease. Therefore, it has been classified as a Variant of Uncertain Significance.